The following is an entry in ClinVar:

ClinVar aggregate classification (germline): Conflicting classifications of pathogenicity. Review status: criteria provided, conflicting classifications (1 of 4 stars). 5 submissions from 3 submitters: Uncertain significance (4); Benign (1). Last evaluated 2026-01-26.

Conditions:
Charcot-Marie-Tooth disease axonal type 2X. Also called: CHARCOT-MARIE-TOOTH DISEASE, AXONAL, AUTOSOMAL RECESSIVE, TYPE 2X; CHARCOT-MARIE-TOOTH NEUROPATHY, TYPE 2X. Identifiers: Orphanet 466775, MedGen C5569024, MONDO:0014726, OMIM 616668.
Amyotrophic lateral sclerosis type 5 (ALS5). Also called: AMYOTROPHIC LATERAL SCLEROSIS 5, JUVENILE. Identifiers: Orphanet 300605, MedGen C1865864, MONDO:0011196, OMIM 602099.
Amyotrophic lateral sclerosis (ALS). Also called: Charcot disease; Lou Gehrig disease. Identifiers: Orphanet 803, MedGen C0002736, MONDO:0004976, HP:0007354.
Hereditary spastic paraplegia 11. Also called: Nakamura Osame syndrome; Autosomal recessive hereditary spastic paraplegia, mental impairment, and thin corpus callosum; Spastic Paraplegia 11; Spastic paraplegia, mental retardation and thin corpus callosum; SPASTIC PARAPLEGIA, AUTOSOMAL RECESSIVE, COMPLICATED, WITH THIN CORPUS CALLOSUM; SPASTIC PARAPLEGIA, AUTOSOMAL RECESSIVE, WITH MENTAL IMPAIRMENT AND THIN CORPUS CALLOSUM. Identifiers: Orphanet 2822, MedGen C1858479, MONDO:0011445, OMIM 604360.

Allele frequency attached by ClinVar (database versions not stated): gnomAD exomes 0.00001 and 0.00006; TOPMed 0.00001; ExAC 0.00002.
gnomAD v4.1: 10 of 1,614,174 alleles (0.00062%); highest among the groups gnomAD compares: East Asian, 0.02%; no homozygotes.

Submissions (5):

Labcorp Genetics (formerly Invitae), Labcorp
Classification: Benign for Hereditary spastic paraplegia 11. Last evaluated: 2026-01-26. Review status: criteria provided, single submitter. Criteria: Invitae Variant Classification Sherloc (09022015). Collection method: clinical testing. Allele origin: germline.

Molecular Genetics, Royal Melbourne Hospital
Classification: Uncertain significance for Amyotrophic lateral sclerosis. Last evaluated: 2021-07-02. Review status: criteria provided, single submitter. Criteria: ACMG Guidelines, 2015. Collection method: clinical testing. Allele origin: germline. Affected: yes.
Comment: This sequence change is a 'silent' substitution in exon 4 of SPG11, meaning that it does not change the encoded amino acid sequence of the SPG11 protein. The variant is present in a large population cohort at a frequency of 0.006% (rs764439012, 15/251,440 alleles, 0 homozygotes in gnomAD v2.1), with an East Asian allele frequency of 0.08%. It has been reported as a variant of uncertain significance (ClinVar), but has not been reported in the relevant medical literature. Multiple lines of computational evidence predict the creation of a de novo acceptor site (SpliceAI, MaxEntScan, NNSplice), which has not been assessed in RNA studies. Based on the classification scheme RMH Modified ACMG Guidelines v1.4.0, this variant is classified as a VARIANT OF UNCERTAIN SIGNIFICANCE. Following criteria are met: PP3.

Genome-Nilou Lab
Classification: Uncertain significance for Amyotrophic lateral sclerosis type 5. Review status: criteria provided, single submitter. Criteria: ACMG Guidelines, 2015. Collection method: clinical testing. Allele origin: germline.

Genome-Nilou Lab
Classification: Uncertain significance for Charcot-Marie-Tooth disease axonal type 2X. Review status: criteria provided, single submitter. Criteria: ACMG Guidelines, 2015. Collection method: clinical testing. Allele origin: germline.

Genome-Nilou Lab
Classification: Uncertain significance for Hereditary spastic paraplegia 11. Review status: criteria provided, single submitter. Criteria: ACMG Guidelines, 2015. Collection method: clinical testing. Allele origin: germline.

NM_025137.4(SPG11):c.789A>G (p.Lys263=)

Gene: SPG11 (SPG11 vesicle trafficking associated, spatacsin; minus strand). Cytogenetic location: 15q21.1.
Variant type: single nucleotide variant.
Coding change: c.789A>G on transcript NM_025137.4 (MANE Select); coding-DNA position 789, A replaced by G.
Protein change: p.Lys263=; no amino-acid change (lysine 263 retained).
Molecular consequence: synonymous variant.
Genome position (GRCh38, 1-based): chr15:44,657,175, T>C on the plus strand (A>G on the coding strand, the complement: SPG11 is on the minus strand). VCF-style: chr15-44657175-T-C. GRCh37 (hg19) VCF-style: chr15-44949373-T-C.
Other names: c.789A>G, p.Lys263= (NM_001160227.2).
Identifiers: ClinVar variation 969429 (VCV000969429.13), dbSNP rs764439012, ClinGen allele CA7535721.